The following is an entry in ClinVar:

ClinVar aggregate classification (germline): Uncertain significance (1 of 4 stars; one submission).

Conditions:
Charcot-Marie-Tooth disease axonal type 2O. Also called: CHARCOT-MARIE-TOOTH NEUROPATHY, AXONAL, TYPE 2O; CHARCOT-MARIE-TOOTH DISEASE, AXONAL, AUTOSOMAL DOMINANT, TYPE 2O; Charcot-Marie-Tooth Neuropathy Type 2O; Charcot-Marie-Tooth disease, axonal, type 20. Identifiers: Orphanet 284232, MedGen C3280220, MONDO:0013644, OMIM 614228.

Submission:

Labcorp Genetics (formerly Invitae), Labcorp
Classification: Uncertain significance for Charcot-Marie-Tooth disease axonal type 2O. Last evaluated: 2023-07-25. Review status: criteria provided, single submitter. Criteria: Invitae Variant Classification Sherloc (09022015). Collection method: clinical testing. Allele origin: germline.
Comment: This sequence change replaces lysine, which is basic and polar, with glutamine, which is neutral and polar, at codon 1829 of the DYNC1H1 protein (p.Lys1829Gln). This variant is not present in population databases (gnomAD no frequency). This variant has not been reported in the literature in individuals affected with DYNC1H1-related conditions. Advanced modeling of protein sequence and biophysical properties (such as structural, functional, and spatial information, amino acid conservation, physicochemical variation, residue mobility, and thermodynamic stability) performed at Invitae indicates that this missense variant is not expected to disrupt DYNC1H1 protein function. In summary, the available evidence is currently insufficient to determine the role of this variant in disease. Therefore, it has been classified as a Variant of Uncertain Significance.

NM_001376.5(DYNC1H1):c.5485A>C (p.Lys1829Gln)

Gene: DYNC1H1 (dynein cytoplasmic 1 heavy chain 1; plus strand). Cytogenetic location: 14q32.31.
Variant type: single nucleotide variant.
Coding change: c.5485A>C on transcript NM_001376.5 (MANE Select); coding-DNA position 5485, A replaced by C.
Protein change: p.Lys1829Gln; replaces lysine 1829 with glutamine.
Molecular consequence: missense variant.
Genome position (GRCh38, 1-based): chr14:102,005,939, A>C. VCF-style: chr14-102005939-A-C. GRCh37 (hg19) VCF-style: chr14-102472276-A-C.
Other names: short protein forms K1829Q.
Identifiers: ClinVar variation 2746447 (VCV002746447.3), dbSNP rs2503741769, ClinGen allele CA391047967.